The following is an entry in ClinVar:

NM_001009931.3(HRNR):c.1800C>T (p.His600=)

Genes: CCDST (cervical cancer associated DHX9 suppressive transcript; plus strand), HRNR (hornerin; minus strand). Cytogenetic location: 1q21.3.
Variant type: single nucleotide variant.
Coding change: c.1800C>T on transcript NM_001009931.3 (MANE Select); coding-DNA position 1800, C replaced by T.
Protein change: p.His600=; no amino-acid change (histidine 600 retained).
Molecular consequence: synonymous variant.
Genome position (GRCh38, 1-based): chr1:152,219,829, G>A on the plus strand (C>T on the coding strand, the complement: HRNR is on the minus strand). VCF-style: chr1-152219829-G-A. GRCh37 (hg19) VCF-style: chr1-152192305-G-A.
Identifiers: ClinVar variation 2639211 (VCV002639211.24), dbSNP rs60458005, ClinGen allele CA1101995.

ClinVar aggregate classification (germline): Likely benign (1 of 4 stars; one submission).

Allele frequency attached by ClinVar (database versions not stated): ExAC 0.00065; 1000 Genomes Project 30x 0.00109; 1000 Genomes Project 0.00160.
gnomAD v4.1: 586 of 1,611,680 alleles (0.036%); highest among the groups gnomAD compares: Middle Eastern, 0.26%; 1 homozygote.

Submission:

CeGaT Center for Human Genetics Tuebingen
Classification: Likely benign. Last evaluated: 2022-10-01. Review status: criteria provided, single submitter. Criteria: CeGaT Center For Human Genetics Tuebingen Variant Classification Criteria Version 2. Collection method: clinical testing. Allele origin: germline. Affected: yes. Observed: 1 variant allele.
Comment: HRNR: BP4, BP7